The following is an entry in ClinVar:

ClinVar aggregate classification (germline): Uncertain significance (1 of 4 stars; one submission).

Conditions:
Hereditary cancer-predisposing syndrome. Also called: Hereditary Cancer Syndrome; Hereditary neoplastic syndrome; Neoplastic Syndromes, Hereditary; Tumor predisposition. Identifiers: Orphanet 140162, MedGen C0027672, MeSH D009386, MONDO:0015356.

Submission:

Ambry Genetics
Classification: Uncertain significance for Hereditary cancer-predisposing syndrome. Last evaluated: 2025-08-24. Review status: criteria provided, single submitter. Criteria: Ambry Variant Classification Scheme 2023. Collection method: clinical testing. Allele origin: germline.
Comment: The p.S460R variant (also known as c.1380C>A), located in coding exon 13 of the FANCC gene, results from a C to A substitution at nucleotide position 1380. The serine at codon 460 is replaced by arginine, an amino acid with dissimilar properties. This amino acid position is conserved. In addition, this alteration is predicted to be tolerated by in silico analysis. Based on the available evidence, the clinical significance of this variant remains unclear.

NM_000136.3(FANCC):c.1380C>A (p.Ser460Arg)

Genes: AOPEP (aminopeptidase O (putative); plus strand), FANCC (FA complementation group C; minus strand). Cytogenetic location: 9q22.32.
Variant type: single nucleotide variant.
Coding change: c.1380C>A on transcript NM_000136.3 (MANE Select); coding-DNA position 1380, C replaced by A.
Protein change: p.Ser460Arg; replaces serine 460 with arginine.
Molecular consequence: missense variant.
Genome position (GRCh38, 1-based): chr9:95,107,219, G>T on the plus strand (C>A on the coding strand, the complement: FANCC is on the minus strand). VCF-style: chr9-95107219-G-T. GRCh37 (hg19) VCF-style: chr9-97869501-G-T.
Other names: c.1380C>A, p.Ser460Arg (NM_001243743.2); short protein forms S460R.
Identifiers: ClinVar variation 4254396 (VCV004254396.1).